The following is an entry in ClinVar:

NM_001037.5(SCN1B):c.448+287_448+290del

Gene: SCN1B (sodium voltage-gated channel beta subunit 1; plus strand). Cytogenetic location: 19q13.11.
Variant type: Deletion.
Coding change: c.448+287_448+290del on transcript NM_001037.5 (MANE Select); bases 287 to 290 of the intron after coding-DNA position 448, 4 bases deleted (GTCT; older notation c.448+287_448+290delGTCT).
Molecular consequence: intron variant. On other transcripts: frameshift variant (1).
Genome position (GRCh38, 1-based): chr19:35,034,026-35,034,029, GTCT deleted; deleting any 4 consecutive bases within chr19:35,034,023-35,034,029 gives the same sequence; the c. name uses the placement nearest the transcript's 3' end. VCF-style (leftmost placement, unchanged base first): chr19-35034022-TTCTG-T. GRCh37 (hg19) VCF-style: chr19-35524926-TTCTG-T.
Other names: c.735_738del, p.Leu245_Ser246insTer (NM_199037.5); c.349+287_349+290del (NM_001321605.2).
Identifiers: ClinVar variation 1313199 (VCV001313199.7), dbSNP rs762523720, ClinGen allele CA9372055.

ClinVar aggregate classification (germline): Uncertain significance. Review status: criteria provided, multiple submitters, no conflicts (2 of 4 stars). 2 submissions from 2 submitters: Uncertain significance (2). Last evaluated 2022-03-02.

Conditions:
Brugada syndrome 5 (BRGDA5). Identifiers: Orphanet 130, Orphanet 871, MedGen C2748541, MONDO:0013015, OMIM 612838.

Submissions (2):

Labcorp Genetics (formerly Invitae), Labcorp
Classification: Uncertain significance for Brugada syndrome 5. Last evaluated: 2022-03-02. Review status: criteria provided, single submitter. Criteria: Invitae Variant Classification Sherloc (09022015). Collection method: clinical testing. Allele origin: germline.
Comment: In summary, the available evidence is currently insufficient to determine the role of this variant in disease. Therefore, it has been classified as a Variant of Uncertain Significance. Experimental studies and prediction algorithms are not available or were not evaluated, and the functional significance of this variant is currently unknown. ClinVar contains an entry for this variant (Variation ID: 1313199). This variant has not been reported in the literature in individuals affected with SCN1B-related conditions. This variant is not present in population databases (gnomAD no frequency). This sequence change creates a premature translational stop signal (p.Ser246*) in the SCN1B gene. While this is not anticipated to result in nonsense mediated decay, it is expected to disrupt the last 23 amino acid(s) of the SCN1B protein.

GeneDx
Classification: Uncertain significance. Last evaluated: 2021-09-15. Review status: criteria provided, single submitter. Criteria: GeneDx Variant Classification Process June 2021. Collection method: clinical testing. Allele origin: germline. Affected: yes.
Comment: Located in an alternate transcript of the gene; Nonsense variant predicted to result in protein truncation as the last 23 amino acids are lost, although loss-of-function variants have not been reported downstream of this position in the protein; Not observed at significant frequency in large population cohorts (Lek et al., 2016); Has not been previously published as pathogenic or benign to our knowledge